The following is an entry in ClinVar:

NM_000222.3(KIT):c.1360G>A (p.Val454Ile)

Gene: KIT (KIT proto-oncogene, receptor tyrosine kinase; plus strand). Cytogenetic location: 4q12.
Variant type: single nucleotide variant.
Coding change: c.1360G>A on transcript NM_000222.3 (MANE Select); coding-DNA position 1360, G replaced by A.
Protein change: p.Val454Ile; replaces valine 454 with isoleucine.
Molecular consequence: missense variant.
Genome position (GRCh38, 1-based): chr4:54,725,870, G>A. VCF-style: chr4-54725870-G-A. GRCh37 (hg19) VCF-style: chr4-55592036-G-A.
Other names: c.1360G>A, p.Val454Ile (NM_001093772.2, NM_001385285.1, NM_001385286.1); c.1363G>A, p.Val455Ile (NM_001385284.1, NM_001385288.1, NM_001385290.1 and 1 more transcripts); short protein forms V454I, V455I.
Identifiers: ClinVar variation 2888724 (VCV002888724.4), dbSNP rs1560415938, ClinGen allele CA356906233.

ClinVar aggregate classification (germline): Uncertain significance. Review status: criteria provided, multiple submitters, no conflicts (2 of 4 stars). 2 submissions from 2 submitters: Uncertain significance (2). Last evaluated 2025-04-08.

Conditions:
Gastrointestinal stromal tumor. Also called: Gastrointestinal stromal tumor, somatic; Gastrointestinal stroma tumor. Identifiers: Orphanet 44890, MedGen C0238198, MeSH D046152, MONDO:0011719, OMIM 606764, HP:0100723.
Hereditary cancer-predisposing syndrome. Also called: Neoplastic Syndromes, Hereditary; Tumor predisposition; Hereditary neoplastic syndrome; Hereditary Cancer Syndrome. Identifiers: Orphanet 140162, MedGen C0027672, MeSH D009386, MONDO:0015356.

Submissions (2):

Labcorp Genetics (formerly Invitae), Labcorp
Classification: Uncertain significance for Gastrointestinal stromal tumor. Last evaluated: 2025-04-08. Review status: criteria provided, single submitter. Criteria: Invitae Variant Classification Sherloc (09022015). Collection method: clinical testing. Allele origin: germline.
Comment: This sequence change replaces valine, which is neutral and non-polar, with isoleucine, which is neutral and non-polar, at codon 454 of the KIT protein (p.Val454Ile). This variant is not present in population databases (gnomAD no frequency). This variant has not been reported in the literature in individuals affected with KIT-related conditions. ClinVar contains an entry for this variant (Variation ID: 2888724). An algorithm developed to predict the effect of missense changes on protein structure and function outputs the following: PolyPhen-2: "Benign". The isoleucine amino acid residue is found in multiple mammalian species, which suggests that this missense change does not adversely affect protein function. In summary, the available evidence is currently insufficient to determine the role of this variant in disease. Therefore, it has been classified as a Variant of Uncertain Significance.

Ambry Genetics
Classification: Uncertain significance for Hereditary cancer-predisposing syndrome. Last evaluated: 2025-04-04. Review status: criteria provided, single submitter. Criteria: Ambry Variant Classification Scheme 2023. Collection method: clinical testing. Allele origin: germline.
Comment: The p.V454I variant (also known as c.1360G>A), located in coding exon 9 of the KIT gene, results from a G to A substitution at nucleotide position 1360. The valine at codon 454 is replaced by isoleucine, an amino acid with highly similar properties. This amino acid position is conserved. In addition, this alteration is predicted to be tolerated by in silico analysis. Based on the available evidence, the clinical significance of this variant remains unclear.